The following is an entry in ClinVar:

NM_001145358.2(SIN3A):c.3112A>G (p.Asn1038Asp)

Gene: SIN3A (SIN3 transcription regulator family member A; minus strand). Cytogenetic location: 15q24.2.
Variant type: single nucleotide variant.
Coding change: c.3112A>G on transcript NM_001145358.2 (MANE Select); coding-DNA position 3112, A replaced by G.
Protein change: p.Asn1038Asp; replaces asparagine 1038 with aspartic acid.
Molecular consequence: missense variant.
Genome position (GRCh38, 1-based): chr15:75,384,347, T>C on the plus strand (A>G on the coding strand, the complement: SIN3A is on the minus strand). VCF-style: chr15-75384347-T-C. GRCh37 (hg19) VCF-style: chr15-75676688-T-C.
Other names: c.3112A>G, p.Asn1038Asp (NM_001145357.2, NM_015477.3); short protein forms N1038D.
Identifiers: ClinVar variation 3616282 (VCV003616282.2).
Genomic context (GRCh38, chr15:75,384,347, plus strand): 5'-TTAGCTGCTCAGCTTTCCGCTGATACGTTGACTCCAGGAGGCTCCTTGAGTTCTGTGTGT[T>C]CAGCTGGCCTCCGGTGGCCCCATTATTATTTTCTGCCAGGTAAAGGTCAGTCACCTGCAC-3'
Protein context (NP_001138830.1, residues 1028-1048): NNNGATGGQL[Asn1038Asp]TQNSRSLLES

ClinVar aggregate classification (germline): Uncertain significance (1 of 4 stars; one submission).

gnomAD v4.1: 23 of 1,613,690 alleles (0.0014%); highest among the groups gnomAD compares: Non-Finnish European, 0.0019%; no homozygotes.

Submission:

Labcorp Genetics (formerly Invitae), Labcorp
Classification: Uncertain significance. Last evaluated: 2024-10-16. Review status: criteria provided, single submitter. Criteria: Invitae Variant Classification Sherloc (09022015). Collection method: clinical testing. Allele origin: germline.
Comment: This sequence change replaces asparagine, which is neutral and polar, with aspartic acid, which is acidic and polar, at codon 1038 of the SIN3A protein (p.Asn1038Asp). This variant is present in population databases (rs774409419, gnomAD 0.0009%). This variant has not been reported in the literature in individuals affected with SIN3A-related conditions. Invitae Evidence Modeling of protein sequence and biophysical properties (such as structural, functional, and spatial information, amino acid conservation, physicochemical variation, residue mobility, and thermodynamic stability) indicates that this missense variant is not expected to disrupt SIN3A protein function with a negative predictive value of 80%. In summary, the available evidence is currently insufficient to determine the role of this variant in disease. Therefore, it has been classified as a Variant of Uncertain Significance.